The following is an entry in ClinVar:

ClinVar aggregate classification (germline): Likely pathogenic (1 of 4 stars; one submission).

Submission:

Labcorp Genetics (formerly Invitae), Labcorp
Classification: Likely pathogenic. Last evaluated: 2022-08-21. Review status: criteria provided, single submitter. Criteria: Invitae Variant Classification Sherloc (09022015). Collection method: clinical testing. Allele origin: germline.
Comment: In summary, the currently available evidence indicates that the variant is pathogenic, but additional data are needed to prove that conclusively. Therefore, this variant has been classified as Likely Pathogenic. This variant disrupts the triple helix domain of COL4A1. Glycine residues within the Gly-Xaa-Yaa repeats of the triple helix domain are required for the structure and stability of fibrillar collagens (PMID: 7695699, 8218237, 19344236). In COL4A1 variants affecting these glycine residues are significantly enriched in individuals with disease (PMID: 9016532, 17078022) compared to the general population (ExAC). Advanced modeling of protein sequence and biophysical properties (such as structural, functional, and spatial information, amino acid conservation, physicochemical variation, residue mobility, and thermodynamic stability) performed at Invitae indicates that this missense variant is expected to disrupt COL4A1 protein function. This variant has not been reported in the literature in individuals affected with COL4A1-related conditions. This variant is not present in population databases (gnomAD no frequency). This sequence change replaces glycine, which is neutral and non-polar, with aspartic acid, which is acidic and polar, at codon 1166 of the COL4A1 protein (p.Gly1166Asp).

Literature cited by the submitters: PubMed 7695699; PubMed 8218237; PubMed 19344236; PubMed 9016532; PubMed 17078022.

NM_001845.6(COL4A1):c.3497G>A (p.Gly1166Asp)

Gene: COL4A1 (collagen type IV alpha 1 chain; minus strand). Cytogenetic location: 13q34.
Variant type: single nucleotide variant.
Coding change: c.3497G>A on transcript NM_001845.6 (MANE Select); coding-DNA position 3497, G replaced by A.
Protein change: p.Gly1166Asp; replaces glycine 1166 with aspartic acid.
Molecular consequence: missense variant.
Genome position (GRCh38, 1-based): chr13:110,173,908, C>T on the plus strand (G>A on the coding strand, the complement: COL4A1 is on the minus strand). VCF-style: chr13-110173908-C-T. GRCh37 (hg19) VCF-style: chr13-110826255-C-T.
Other names: short protein forms G1166D.
Identifiers: ClinVar variation 2137541 (VCV002137541.4), dbSNP rs1085307982, ClinGen allele CA388664116.